The following is an entry in ClinVar:

ClinVar aggregate classification (germline): Likely pathogenic. Review status: criteria provided, single submitter (1 of 4 stars). 2 submissions from 2 submitters: Likely pathogenic (1). 1 of the submissions does not count toward it. Last evaluated 2024-06-07.

Conditions:
Mucopolysaccharidosis, MPS-II (MPS2). Also called: IDS deficiency; Sulfoiduronate sulfatase deficiency; SIDS deficiency; Mucopolysaccharidosis type 2; Mucopolysaccharidosis Type II; Attenuated MPS (subtype; formerly known as mild MPS II). Identifiers: Orphanet 580, Orphanet 79388, MedGen C0026705, MONDO:0010674, OMIM 309900.

Submissions (2):

Laboratory of Diagnosis and Therapy of Lysosomal Disorders, University of Padova
Classification: Likely pathogenic for Mucopolysaccharidosis, MPS-II. Last evaluated: 2024-06-07. Review status: criteria provided, single submitter. Criteria: ACMG Guidelines, 2015. Collection method: literature only. Allele origin: germline. Affected: yes. Observed: 1 variant allele.
Comment: Absent from controls (or at low frequency) in gnomAD database (PM2_Moderate), Protein length changes in a nonrepeat region or stop–loss variants (PM4_Moderate), Multiple lines of computational evidence support a deleterious effect (PP3_Supporting), Patient’s phenotype or family history highly specific for the disease (PP4_Strong)

Classification method: ACMG Guidelines [PMID:25741868] with modifications

Laboratory of Inherited Metabolic Diseases, Research centre for medical genetics
Classification: Pathogenic for Mucopolysaccharidosis, type II; MPS2. Review status: no assertion criteria provided. Collection method: research. Allele origin: germline. Affected: yes. Not counted in ClinVar's aggregate classification.

Literature cited by the submitters: PubMed 33676511 (cited by Laboratory of Diagnosis and Therapy of Lysosomal Disorders, University of Padova).

NM_000202.8(IDS):c.1426_1437del (p.Asn476_Lys479del)

Gene: IDS (iduronate 2-sulfatase; minus strand). Cytogenetic location: Xq28.
Variant type: Deletion.
Coding change: c.1426_1437del on transcript NM_000202.8 (MANE Select); coding-DNA positions 1426 to 1437, 12 bases deleted (AATTCTGACAAG).
Protein change: p.Asn476_Lys479del.
Molecular consequence: inframe deletion.
Genome position (GRCh38, 1-based): chrX:149,482,962-149,482,973, CTTGTCAGAATT deleted on the plus strand (AATTCTGACAAG on the coding strand, the reverse complement: IDS is on the minus strand); deleting any 12 consecutive bases within chrX:149,482,962-149,482,974 gives the same sequence; the c. name uses the placement nearest the transcript's 3' end. VCF-style (leftmost placement, unchanged base first): chrX-149482961-GCTTGTCAGAATT-G. GRCh37 (hg19) VCF-style: chrX-148564492-GCTTGTCAGAATT-G.
Other names: c.1156_1167del, p.Asn386_Lys389del (NM_001166550.4).
Identifiers: ClinVar variation 988702 (VCV000988702.3), dbSNP rs2089305217, ClinGen allele CA2465003993.
Genomic context (GRCh38, chrX:149,482,961, plus strand): 5'-TATACCTATAGTCTATGGTGCGTATGGAATAGCCCATGATCTTTATATCTTTTAAACTCG[GCTTGTCAGAATT>G]CCACTGAGGGATGTCTGAAGGCCGGGGATACTGGCTATAGGCAATCAGTTCACGGGGATT-3'